The following is an entry in ClinVar:

ClinVar aggregate classification (germline): Uncertain significance (1 of 4 stars; one submission).

Conditions:
Ehlers-Danlos syndrome, dermatosparaxis type. Also called: Ehlers-Danlos syndrome, type VII, autosomal recessive; EDS VIIC; Dermatosparaxis. Identifiers: Orphanet 1901, MedGen C2700425, MONDO:0009161, OMIM 225410.

Submission:

Labcorp Genetics (formerly Invitae), Labcorp
Classification: Uncertain significance for Ehlers-Danlos syndrome, dermatosparaxis type. Last evaluated: 2022-01-14. Review status: criteria provided, single submitter. Criteria: Invitae Variant Classification Sherloc (09022015). Collection method: clinical testing. Allele origin: germline.
Comment: This variant has not been reported in the literature in individuals affected with ADAMTS2-related conditions. In summary, the available evidence is currently insufficient to determine the role of this variant in disease. Therefore, it has been classified as a Variant of Uncertain Significance. Algorithms developed to predict the effect of missense changes on protein structure and function are either unavailable or do not agree on the potential impact of this missense change (SIFT: "Tolerated"; PolyPhen-2: "Not Available"; Align-GVGD: "Class C0"). This variant is not present in population databases (gnomAD no frequency). This sequence change replaces arginine, which is basic and polar, with lysine, which is basic and polar, at codon 38 of the ADAMTS2 protein (p.Arg38Lys).

NM_014244.5(ADAMTS2):c.113G>A (p.Arg38Lys)

Gene: ADAMTS2 (ADAM metallopeptidase with thrombospondin type 1 motif 2; minus strand). Cytogenetic location: 5q35.3.
Variant type: single nucleotide variant.
Coding change: c.113G>A on transcript NM_014244.5 (MANE Select); coding-DNA position 113, G replaced by A.
Protein change: p.Arg38Lys; replaces arginine 38 with lysine.
Molecular consequence: missense variant.
Genome position (GRCh38, 1-based): chr5:179,345,216, C>T on the plus strand (G>A on the coding strand, the complement: ADAMTS2 is on the minus strand). VCF-style: chr5-179345216-C-T. GRCh37 (hg19) VCF-style: chr5-178772217-C-T.
Other names: c.113G>A, p.Arg38Lys (NM_021599.4); short protein forms R38K.
Identifiers: ClinVar variation 1470622 (VCV001470622.8), dbSNP rs2127463853, ClinGen allele CA362623789.